The following is an entry in ClinVar:

ClinVar aggregate classification (germline): Uncertain significance (1 of 4 stars; one submission).

Submission:

Labcorp Genetics (formerly Invitae), Labcorp
Classification: Uncertain significance. Last evaluated: 2022-10-25. Review status: criteria provided, single submitter. Criteria: Invitae Variant Classification Sherloc (09022015). Collection method: clinical testing. Allele origin: germline.
Comment: In summary, the available evidence is currently insufficient to determine the role of this variant in disease. Therefore, it has been classified as a Variant of Uncertain Significance. Advanced modeling of protein sequence and biophysical properties (such as structural, functional, and spatial information, amino acid conservation, physicochemical variation, residue mobility, and thermodynamic stability) performed at Invitae indicates that this missense variant is not expected to disrupt CLTC protein function. This variant has not been reported in the literature in individuals affected with CLTC-related conditions. This variant is not present in population databases (gnomAD no frequency). This sequence change replaces phenylalanine, which is neutral and non-polar, with leucine, which is neutral and non-polar, at codon 1511 of the CLTC protein (p.Phe1511Leu).

NM_004859.4(CLTC):c.4521C>G (p.Phe1507Leu)

Genes: CLTC (clathrin heavy chain; plus strand), LOC125177523 (Sharpr-MPRA regulatory region 12460; plus strand). Cytogenetic location: 17q23.1.
Variant type: single nucleotide variant.
Coding change: c.4521C>G on transcript NM_004859.4 (MANE Select); coding-DNA position 4521, C replaced by G.
Protein change: p.Phe1507Leu; replaces phenylalanine 1507 with leucine.
Molecular consequence: missense variant.
Genome position (GRCh38, 1-based): chr17:59,685,142, C>G. VCF-style: chr17-59685142-C-G. GRCh37 (hg19) VCF-style: chr17-57762503-C-G.
Other names: c.4533C>G, p.Phe1511Leu (NM_001288653.2); short protein forms F1507L, F1511L.
Identifiers: ClinVar variation 1714785 (VCV001714785.6), dbSNP rs2509157739, ClinGen allele CA400421875.
Genomic context (GRCh38, chr17:59,685,142, plus strand): 5'-TGACAACTTTGACAATATCTCGCTTGCTCAGCGTTTGGAAAAACATGAACTCATTGAGTT[C>G]AGGAGAATTGCTGCTTATCTCTTCAAAGGCAACAATCGCTGGAAACAGAGTGTAGAGCTG-3'
Protein context (NP_004850.1, residues 1497-1517): QRLEKHELIE[Phe1507Leu]RRIAAYLFKG